The following is an entry in ClinVar:

NM_032608.7(MYO18B):c.5263C>T (p.His1755Tyr)

Gene: MYO18B (myosin XVIIIB; plus strand). Cytogenetic location: 22q12.1.
Variant type: single nucleotide variant.
Coding change: c.5263C>T on transcript NM_032608.7 (MANE Select); coding-DNA position 5263, C replaced by T.
Protein change: p.His1755Tyr; replaces histidine 1755 with tyrosine.
Molecular consequence: missense variant.
Genome position (GRCh38, 1-based): chr22:25,910,949, C>T. VCF-style: chr22-25910949-C-T. GRCh37 (hg19) VCF-style: chr22-26306916-C-T.
Other names: c.5266C>T, p.His1756Tyr (NM_001318245.2); short protein forms H1756Y, H1755Y.
Identifiers: ClinVar variation 1991470 (VCV001991470.3), dbSNP rs749900091, ClinGen allele CA10161128.
Genomic context (GRCh38, chr22:25,910,949, plus strand): 5'-GATGTGTCTGGATGGAGTTCATTTACCCTGTGATGTTTCTTCCCTGTGTATCCACAGCTT[C>T]ATCAGCTGGAAATGCAGCTGGAGCAAGAGTATGAAGAGAAGCAGATGGTCCTCCATGAGA-3'
Protein context (NP_115997.5, residues 1745-1765): DVRQSCQKRL[His1755Tyr]QLEMQLEQEY

ClinVar aggregate classification (germline): Uncertain significance (1 of 4 stars; one submission).

Allele frequency attached by ClinVar (database versions not stated): gnomAD exomes below 0.00001; ExAC 0.00003; gnomAD 0.00007; TOPMed 0.00008.
gnomAD v4.1: 16 of 1,587,558 alleles (0.001%); highest among the groups gnomAD compares: Admixed American, 0.018%; no homozygotes.

Submission:

Labcorp Genetics (formerly Invitae), Labcorp
Classification: Uncertain significance. Last evaluated: 2024-02-17. Review status: criteria provided, single submitter. Criteria: Invitae Variant Classification Sherloc (09022015). Collection method: clinical testing. Allele origin: germline.
Comment: This sequence change replaces histidine, which is basic and polar, with tyrosine, which is neutral and polar, at codon 1755 of the MYO18B protein (p.His1755Tyr). This variant is present in population databases (rs749900091, gnomAD 0.007%). This variant has not been reported in the literature in individuals affected with MYO18B-related conditions. ClinVar contains an entry for this variant (Variation ID: 1991470). An algorithm developed to predict the effect of missense changes on protein structure and function (PolyPhen-2) suggests that this variant¬†is likely to be tolerated. In summary, the available evidence is currently insufficient to determine the role of this variant in disease. Therefore, it has been classified as a Variant of Uncertain Significance.